The following is an entry in ClinVar:

ClinVar aggregate classification (germline): Uncertain significance (1 of 4 stars; one submission).

Conditions:
Neuroblastoma, susceptibility to, 3. Also called: ALK-Related Neuroblastic Tumor Susceptibility. Identifiers: Orphanet 635, MedGen C2751681, MONDO:0013083, OMIM 613014.

Submission:

Labcorp Genetics (formerly Invitae), Labcorp
Classification: Uncertain significance for Neuroblastoma, susceptibility to, 3. Last evaluated: 2025-04-28. Review status: criteria provided, single submitter. Criteria: Invitae Variant Classification Sherloc (09022015). Collection method: clinical testing. Allele origin: germline.
Comment: This sequence change replaces serine, which is neutral and polar, with glycine, which is neutral and non-polar, at codon 468 of the ALK protein (p.Ser468Gly). This variant is not present in population databases (gnomAD no frequency). This variant has not been reported in the literature in individuals affected with ALK-related conditions. ClinVar contains an entry for this variant (Variation ID: 2701997). An algorithm developed to predict the effect of missense changes on protein structure and function outputs the following: PolyPhen-2: "Benign". The glycine amino acid residue is found in multiple mammalian species, which suggests that this missense change does not adversely affect protein function. In summary, the available evidence is currently insufficient to determine the role of this variant in disease. Therefore, it has been classified as a Variant of Uncertain Significance.

NM_004304.5(ALK):c.1402A>G (p.Ser468Gly)

Gene: ALK (ALK receptor tyrosine kinase; minus strand). Cytogenetic location: 2p23.2.
Variant type: single nucleotide variant.
Coding change: c.1402A>G on transcript NM_004304.5 (MANE Select); coding-DNA position 1402, A replaced by G.
Protein change: p.Ser468Gly; replaces serine 468 with glycine.
Molecular consequence: missense variant.
Genome position (GRCh38, 1-based): chr2:29,328,362, T>C on the plus strand (A>G on the coding strand, the complement: ALK is on the minus strand). VCF-style: chr2-29328362-T-C. GRCh37 (hg19) VCF-style: chr2-29551228-T-C.
Other names: short protein forms S468G.
Identifiers: ClinVar variation 2701997 (VCV002701997.3), dbSNP rs2465459126, ClinGen allele CA346474108.